The following is an entry in ClinVar:

ClinVar aggregate classification (germline): Uncertain significance (1 of 4 stars; one submission).

Submission:

Ambry Genetics
Classification: Uncertain significance. Last evaluated: 2026-07-29. Review status: criteria provided, single submitter. Criteria: Ambry Variant Classification Scheme 2023. Collection method: clinical testing. Allele origin: germline.
Comment: The c.737G>A (p.R246Q) alteration is located in exon 7 (coding exon 7) of the UBA7 gene. This alteration results from a G to A substitution at nucleotide position 737, causing the arginine (R) at amino acid position 246 to be replaced by a glutamine (Q). Based on data from gnomAD, the A allele has an overall frequency of 0.004% (10/251370) total alleles studied. The highest observed frequency was 0.025% (4/16254) of African alleles. Based on insufficient or conflicting evidence, the clinical significance of this alteration remains unclear.

NM_003335.3(UBA7):c.737G>A (p.Arg246Gln)

Gene: UBA7 (ubiquitin like modifier activating enzyme 7; minus strand). Cytogenetic location: 3p21.31.
Variant type: single nucleotide variant.
Coding change: c.737G>A on transcript NM_003335.3 (MANE Select); coding-DNA position 737, G replaced by A.
Protein change: p.Arg246Gln; replaces arginine 246 with glutamine.
Molecular consequence: missense variant.
Genome position (GRCh38, 1-based): chr3:49,812,164, C>T on the plus strand (G>A on the coding strand, the complement: UBA7 is on the minus strand). VCF-style: chr3-49812164-C-T. GRCh37 (hg19) VCF-style: chr3-49849597-C-T.
Other names: short protein forms R246Q.
Identifiers: ClinVar variation 5031555 (VCV005031555.1).